The following is an entry in ClinVar:

NM_198994.3(TGM6):c.446C>G (p.Ser149Ter)

Gene: TGM6 (transglutaminase 6; plus strand). Cytogenetic location: 20p13.
Variant type: single nucleotide variant.
Coding change: c.446C>G on transcript NM_198994.3 (MANE Select); coding-DNA position 446, C replaced by G.
Protein change: p.Ser149Ter; replaces serine 149 with a stop codon.
Molecular consequence: nonsense.
Genome position (GRCh38, 1-based): chr20:2,396,527, C>G. VCF-style: chr20-2396527-C-G. GRCh37 (hg19) VCF-style: chr20-2377173-C-G.
Other names: c.446C>G, p.Ser149Ter (NM_001254734.2); short protein forms S149*.
Identifiers: ClinVar variation 3369654 (VCV003369654.1).

ClinVar aggregate classification (germline): Uncertain significance (1 of 4 stars; one submission).

gnomAD v4.1: 2 of 1,614,198 alleles (0.00012%); highest among the groups gnomAD compares: Non-Finnish European, 0.00017%; no homozygotes.

Submission:

GeneDx
Classification: Uncertain significance. Last evaluated: 2024-03-15. Review status: criteria provided, single submitter. Criteria: GeneDx Variant Classification Process June 2021. Collection method: clinical testing. Allele origin: germline. Affected: yes.
Comment: Not observed at significant frequency in large population cohorts (gnomAD); Nonsense variant predicted to result in protein truncation or nonsense mediated decay in a gene or region of a gene for which loss of function is not a well-established mechanism of disease; Has not been previously published as pathogenic or benign to our knowledge